The following is an entry in ClinVar:

ClinVar aggregate classification (germline): Uncertain significance (1 of 4 stars; one submission).

Conditions:
Cardiovascular phenotype. Identifiers: MedGen CN230736.

Submission:

Ambry Genetics
Classification: Uncertain significance for Cardiovascular phenotype. Last evaluated: 2026-07-02. Review status: criteria provided, single submitter. Criteria: Ambry Variant Classification Scheme 2023. Collection method: clinical testing. Allele origin: germline.
Comment: The p.D2203Y variant (also known as c.6607G>T), located in coding exon 26 of the APOB gene, results from a G to T substitution at nucleotide position 6607. The aspartic acid at codon 2203 is replaced by tyrosine, an amino acid with highly dissimilar properties. This amino acid position is conserved. In addition, this alteration is predicted to be tolerated by in silico analysis. Based on the available evidence, the clinical significance of this variant remains unclear.

NM_000384.3(APOB):c.6607G>T (p.Asp2203Tyr)

Gene: APOB (apolipoprotein B; minus strand). Cytogenetic location: 2p24.1.
Variant type: single nucleotide variant.
Coding change: c.6607G>T on transcript NM_000384.3 (MANE Select); coding-DNA position 6607, G replaced by T.
Protein change: p.Asp2203Tyr; replaces aspartic acid 2203 with tyrosine.
Molecular consequence: missense variant.
Genome position (GRCh38, 1-based): chr2:21,010,261, C>A on the plus strand (G>T on the coding strand, the complement: APOB is on the minus strand). VCF-style: chr2-21010261-C-A. GRCh37 (hg19) VCF-style: chr2-21233133-C-A.
Other names: short protein forms D2203Y.
Identifiers: ClinVar variation 5027436 (VCV005027436.1), dbSNP rs1663269738.